The following is an entry in ClinVar:

NM_005720.4(ARPC1B):c.501-5G>A

Gene: ARPC1B (actin related protein 2/3 complex subunit 1B; plus strand). Cytogenetic location: 7q22.1.
Variant type: single nucleotide variant.
Coding change: c.501-5G>A on transcript NM_005720.4 (MANE Select); 5 bases into the intron before coding-DNA position 501, G replaced by A.
Molecular consequence: intron variant.
Genome position (GRCh38, 1-based): chr7:99,390,888, G>A. VCF-style: chr7-99390888-G-A. GRCh37 (hg19) VCF-style: chr7-98988511-G-A.
Other names: p.?.
Identifiers: ClinVar variation 1399064 (VCV001399064.5), dbSNP rs185268486, ClinGen allele CA163112049.

ClinVar aggregate classification (germline): Uncertain significance. Review status: criteria provided, multiple submitters, no conflicts (2 of 4 stars). 2 submissions from 2 submitters: Uncertain significance (2). Last evaluated 2023-08-29.

gnomAD v4.1: 57 of 1,598,292 alleles (0.0036%); highest among the groups gnomAD compares: Non-Finnish European, 0.0042%; no homozygotes.

Submissions (2):

Mayo Clinic Laboratories, Mayo Clinic
Classification: Uncertain significance. Last evaluated: 2023-08-29. Review status: criteria provided, single submitter. Criteria: ACMG Guidelines, 2015. Collection method: clinical testing. Allele origin: germline. Observed: 1 variant allele.
Comment: PP3, PM2

Labcorp Genetics (formerly Invitae), Labcorp
Classification: Uncertain significance. Last evaluated: 2022-08-17. Review status: criteria provided, single submitter. Criteria: Invitae Variant Classification Sherloc (09022015). Collection method: clinical testing. Allele origin: germline.
Comment: This sequence change falls in intron 5 of the ARPC1B gene. It does not directly change the encoded amino acid sequence of the ARPC1B protein. This variant is present in population databases (rs185268486, gnomAD 0.0009%). This variant has not been reported in the literature in individuals affected with ARPC1B-related conditions. ClinVar contains an entry for this variant (Variation ID: 1399064). Algorithms developed to predict the effect of sequence changes on RNA splicing suggest that this variant may create or strengthen a splice site. In summary, the available evidence is currently insufficient to determine the role of this variant in disease. Therefore, it has been classified as a Variant of Uncertain Significance.